The following is an entry in ClinVar:

NM_004082.5(DCTN1):c.3029+6G>T

Gene: DCTN1 (dynactin subunit 1; minus strand). Cytogenetic location: 2p13.1.
Variant type: single nucleotide variant.
Coding change: c.3029+6G>T on transcript NM_004082.5 (MANE Select); 6 bases into the intron after coding-DNA position 3029, G replaced by T.
Molecular consequence: intron variant.
Genome position (GRCh38, 1-based): chr2:74,365,509, C>A on the plus strand (G>T on the coding strand, the complement: DCTN1 is on the minus strand). VCF-style: chr2-74365509-C-A. GRCh37 (hg19) VCF-style: chr2-74592636-C-A.
Other names: c.2918+6G>T (NM_001190836.2); c.2960+6G>T (NM_001378992.1); c.2978+6G>T (NM_001378991.1); c.2969+6G>T (NM_001135040.3); c.3008+6G>T (NM_001190837.2); c.2627+6G>T (NM_001135041.3, NM_023019.4).
Identifiers: ClinVar variation 574930 (VCV000574930.10), dbSNP rs754143116, ClinGen allele CA1721650.

ClinVar aggregate classification (germline): Uncertain significance (1 of 4 stars; one submission).

Conditions:
Amyotrophic lateral sclerosis type 1 (ALS1). Also called: AMYOTROPHIC LATERAL SCLEROSIS 1, FAMILIAL. Identifiers: Orphanet 803, MedGen C1862939, MONDO:0007103, OMIM 105400.
Perry syndrome. Also called: PARKINSONISM WITH ALVEOLAR HYPOVENTILATION AND MENTAL DEPRESSION. Identifiers: Orphanet 178509, MedGen C1868594, MONDO:0008201, OMIM 168605.
Neuronopathy, distal hereditary motor, type 7B. Also called: Distal Hereditary Motor Neuronopathy Type 7B (dHMN7B); NEURONOPATHY, DISTAL HEREDITARY MOTOR, AUTOSOMAL DOMINANT 14; NEURONOPATHY, DISTAL HEREDITARY MOTOR, HARDING TYPE VIIB; NEUROPATHY, DISTAL HEREDITARY MOTOR, HARDING TYPE VIIB; NEUROPATHY, DISTAL HEREDITARY MOTOR, WITH VOCAL CORD PARALYSIS, HARDING TYPE VIIB; HMN VIIB. Identifiers: Orphanet 139589, MedGen C1843315, MONDO:0011879, OMIM 607641.

Allele frequency attached by ClinVar (database versions not stated): ExAC 0.00005; gnomAD exomes 0.00008; TOPMed 0.00021; gnomAD 0.00028 and 0.00029.
gnomAD v4.1: 67 of 1,614,018 alleles (0.0042%); highest among the groups gnomAD compares: Admixed American, 0.1%; no homozygotes.

Submission:

Labcorp Genetics (formerly Invitae), Labcorp
Classification: Uncertain significance for Amyotrophic lateral sclerosis type 1; Neuronopathy, distal hereditary motor, type 7B; Perry syndrome. Last evaluated: 2026-01-27. Review status: criteria provided, single submitter. Criteria: Invitae Variant Classification Sherloc (09022015). Collection method: clinical testing. Allele origin: germline.
Comment: This sequence change falls in intron 25 of the DCTN1 gene. It does not directly change the encoded amino acid sequence of the DCTN1 protein. It affects a nucleotide within the consensus splice site. This variant is present in population databases (rs754143116, gnomAD 0.04%), and has an allele count higher than expected for a pathogenic variant. This variant has not been reported in the literature in individuals affected with DCTN1-related conditions. ClinVar contains an entry for this variant (Variation ID: 574930). Variants that disrupt the consensus splice site are a relatively common cause of aberrant splicing (PMID: 17576681, 9536098). Algorithms developed to predict the effect of sequence changes on RNA splicing suggest that this variant is not likely to affect RNA splicing. In summary, the available evidence is currently insufficient to determine the role of this variant in disease. Therefore, it has been classified as a Variant of Uncertain Significance.

Literature cited by the submitters: PubMed 17576681; PubMed 9536098.